The following is an entry in ClinVar:

ClinVar aggregate classification (germline): Conflicting classifications of pathogenicity. Review status: criteria provided, conflicting classifications (1 of 4 stars). 5 submissions from 5 submitters: Uncertain significance (4); Likely benign (1). Last evaluated 2026-08-17.

Conditions:
Hereditary cancer-predisposing syndrome. Also called: Tumor predisposition; Neoplastic Syndromes, Hereditary; Hereditary Cancer Syndrome; Hereditary neoplastic syndrome. Identifiers: Orphanet 140162, MedGen C0027672, MeSH D009386, MONDO:0015356.
Familial adenomatous polyposis 2. Also called: MYH-associated polyposis; MUTYH-associated polyposis; MUTYH-related attenuated familial adenomatous polyposis; Adenomas, multiple colorectal; FAP type 2; MUTYH Polyposis. Identifiers: Orphanet 220460, Orphanet 247798, MedGen C3272841, MONDO:0012041, OMIM 608456.

Submissions (5):

Ambry Genetics
Classification: Likely benign for Hereditary cancer-predisposing syndrome. Last evaluated: 2026-08-17. Review status: criteria provided, single submitter. Criteria: Ambry Variant Classification Scheme 2023. Collection method: clinical testing. Allele origin: germline.

Labcorp Genetics (formerly Invitae), Labcorp
Classification: Uncertain significance for Familial adenomatous polyposis 2. Last evaluated: 2025-07-31. Review status: criteria provided, single submitter. Criteria: Invitae Variant Classification Sherloc (09022015). Collection method: clinical testing. Allele origin: germline.
Comment: This sequence change replaces glutamine, which is neutral and polar, with glutamic acid, which is acidic and polar, at codon 386 of the MUTYH protein (p.Gln386Glu). This variant is not present in population databases (gnomAD no frequency). This variant has not been reported in the literature in individuals affected with MUTYH-related conditions. ClinVar contains an entry for this variant (Variation ID: 238334). An algorithm developed to predict the effect of missense changes on protein structure and function (PolyPhen-2) suggests that this variant is likely to be tolerated. In summary, the available evidence is currently insufficient to determine the role of this variant in disease. Therefore, it has been classified as a Variant of Uncertain Significance.

Color Diagnostics, LLC DBA Color Health
Classification: Uncertain significance for Hereditary cancer-predisposing syndrome. Last evaluated: 2024-03-06. Review status: criteria provided, single submitter. Criteria: ACMG Guidelines, 2015. Collection method: clinical testing. Allele origin: germline.
Comment: This missense variant replaces glutamine with glutamic acid at codon 386 of the MUTYH protein. Computational prediction suggests that this variant may not impact protein structure and function (internally defined REVEL score threshold <= 0.5, PMID: 27666373). To our knowledge, functional studies have not been reported for this variant. This variant has not been reported in individuals affected with hereditary cancer in the literature. This variant has not been identified in the general population by the Genome Aggregation Database (gnomAD). The available evidence is insufficient to determine the role of this variant in disease conclusively. Therefore, this variant is classified as a Variant of Uncertain Significance.

GeneDx
Classification: Uncertain significance. Last evaluated: 2023-06-06. Review status: criteria provided, single submitter. Criteria: GeneDx Variant Classification Process June 2021. Collection method: clinical testing. Allele origin: germline. Affected: yes.
Comment: Not observed at significant frequency in large population cohorts (gnomAD); In silico analysis supports that this missense variant does not alter protein structure/function; Has not been previously published as pathogenic or benign to our knowledge; This variant is associated with the following publications: (PMID: 23108399)

Mendelics
Classification: Uncertain significance for MYH-associated polyposis. Last evaluated: 2018-07-02. Review status: criteria provided, single submitter. Criteria: Mendelics Assertion Criteria 2017. Collection method: clinical testing. Allele origin: unknown.

Literature cited by the submitters: PubMed 40738107 (cited by Ambry Genetics).

NM_001048174.2(MUTYH):c.1072C>G (p.Gln358Glu)

Gene: MUTYH (mutY DNA glycosylase; minus strand). Cytogenetic location: 1p34.1.
Variant type: single nucleotide variant.
Coding change: c.1072C>G on transcript NM_001048174.2 (MANE Select); coding-DNA position 1072, C replaced by G.
Protein change: p.Gln358Glu; replaces glutamine 358 with glutamic acid.
Molecular consequence: missense variant. On other transcripts: non-coding transcript variant (2).
Genome position (GRCh38, 1-based): chr1:45,331,691, G>C on the plus strand (C>G on the coding strand, the complement: MUTYH is on the minus strand). VCF-style: chr1-45331691-G-C. GRCh37 (hg19) VCF-style: chr1-45797363-G-C.
Other names: c.1072C>G, p.Gln358Glu (NM_001048171.2, NM_001048173.2, NM_001293195.2); c.1075C>G, p.Gln359Glu (NM_001048172.2); c.1156C>G, p.Gln386Glu (NM_001128425.2); c.1117C>G, p.Gln373Glu (NM_001293190.2); c.1105C>G, p.Gln369Glu (NM_001293191.2); c.796C>G, p.Gln266Glu (NM_001293192.2, NM_001293196.2); c.727C>G, p.Gln243Glu (NM_001350650.2, NM_001350651.2); c.1147C>G, p.Gln383Glu (NM_012222.3); short protein forms Q386E, Q369E, Q383E, Q358E, Q359E, Q243E, Q373E, Q266E.
Identifiers: ClinVar variation 238334 (VCV000238334.15), dbSNP rs878854183, ClinGen allele CA10581804.